The following is an entry in ClinVar:

ClinVar aggregate classification (germline): Uncertain significance (1 of 4 stars; one submission).

Conditions:
Hereditary cancer-predisposing syndrome. Also called: Neoplastic Syndromes, Hereditary; Tumor predisposition; Hereditary Cancer Syndrome; Hereditary neoplastic syndrome. Identifiers: Orphanet 140162, MedGen C0027672, MeSH D009386, MONDO:0015356.

Submission:

Ambry Genetics
Classification: Uncertain significance for Hereditary cancer-predisposing syndrome. Last evaluated: 2025-09-14. Review status: criteria provided, single submitter. Criteria: Ambry Variant Classification Scheme 2023. Collection method: clinical testing. Allele origin: germline.
Comment: The p.M72L variant (also known as c.214A>T), located in coding exon 1 of the SMARCA4 gene, results from an A to T substitution at nucleotide position 214. The methionine at codon 72 is replaced by leucine, an amino acid with highly similar properties. This amino acid position is conserved. In addition, this alteration is predicted to be tolerated by in silico analysis. Based on the available evidence, the clinical significance of this variant remains unclear.

NM_003072.5(SMARCA4):c.214A>T (p.Met72Leu)

Gene: SMARCA4 (SWI/SNF related BAF chromatin remodeling complex subunit ATPase 4; plus strand). Cytogenetic location: 19p13.2.
Variant type: single nucleotide variant.
Coding change: c.214A>T on transcript NM_003072.5 (MANE Select); coding-DNA position 214, A replaced by T.
Protein change: p.Met72Leu; replaces methionine 72 with leucine.
Molecular consequence: missense variant. On other transcripts: non-coding transcript variant (1).
Genome position (GRCh38, 1-based): chr19:10,984,365, A>T. VCF-style: chr19-10984365-A-T. GRCh37 (hg19) VCF-style: chr19-11095041-A-T.
Other names: c.214A>T, p.Met72Leu (NM_001128844.3, NM_001128845.2, NM_001128846.2 and 6 more transcripts); short protein forms M72L.
Identifiers: ClinVar variation 4170192 (VCV004170192.1).